The following is an entry in ClinVar:

NM_015378.4(VPS13D):c.12493A>G (p.Ile4165Val)

Gene: VPS13D (vacuolar protein sorting 13 homolog D; plus strand). Cytogenetic location: 1p36.22.
Variant type: single nucleotide variant.
Coding change: c.12493A>G on transcript NM_015378.4 (MANE Select); coding-DNA position 12493, A replaced by G.
Protein change: p.Ile4165Val; replaces isoleucine 4165 with valine.
Molecular consequence: missense variant.
Genome position (GRCh38, 1-based): chr1:12,460,227, A>G. VCF-style: chr1-12460227-A-G. GRCh37 (hg19) VCF-style: chr1-12520282-A-G.
Other names: p.Ile4165Val; c.12418A>G, p.Ile4140Val (NM_018156.4); short protein forms I4140V, I4165V.
Identifiers: ClinVar variation 3188797 (VCV003188797.3), dbSNP rs201470132, ClinGen allele CA604235.

ClinVar aggregate classification (germline): Uncertain significance. Review status: criteria provided, multiple submitters, no conflicts (2 of 4 stars). 2 submissions from 2 submitters: Uncertain significance (2). Last evaluated 2025-10-18.

Conditions:
Inborn genetic diseases. Identifiers: MedGen C0950123, MeSH D030342.

Allele frequency attached by ClinVar (database versions not stated): gnomAD 0.00003; ExAC 0.00002; gnomAD exomes 0.00003; TOPMed 0.00003.
gnomAD v4.1: 45 of 1,608,372 alleles (0.0028%); highest among the groups gnomAD compares: Non-Finnish European, 0.0037%; no homozygotes.

Submissions (2):

Ambry Genetics
Classification: Uncertain significance for Inborn genetic diseases. Last evaluated: 2025-10-18. Review status: criteria provided, single submitter. Criteria: Ambry Variant Classification Scheme 2023. Collection method: clinical testing. Allele origin: germline.

Mayo Clinic Laboratories, Mayo Clinic
Classification: Uncertain significance. Last evaluated: 2023-06-16. Review status: criteria provided, single submitter. Criteria: ACMG Guidelines, 2015. Collection method: clinical testing. Allele origin: germline. Observed: 1 variant allele.
Comment: BP4